The following is an entry in ClinVar:

NM_152468.5(TMC8):c.25T>C (p.Ser9Pro)

Genes: TMC6 (transmembrane channel like 6; minus strand), TMC8 (transmembrane channel like 8; plus strand), LOC130061792 (ATAC-STARR-seq lymphoblastoid silent region 9043; plus strand). Cytogenetic location: 17q25.3.
Variant type: single nucleotide variant.
Coding change: c.25T>C on transcript NM_152468.5 (MANE Select); coding-DNA position 25, T replaced by C.
Protein change: p.Ser9Pro; replaces serine 9 with proline.
Molecular consequence: missense variant. On other transcripts: intron variant (1).
Genome position (GRCh38, 1-based): chr17:78,131,613, T>C. VCF-style: chr17-78131613-T-C. GRCh37 (hg19) VCF-style: chr17-76127694-T-C.
Other names: c.-75+728A>G (NM_007267.7); short protein forms S9P.
Identifiers: ClinVar variation 663641 (VCV000663641.9), dbSNP rs779748966, ClinGen allele CA8796322.
Genomic context (GRCh38, chr17:78,131,613, plus strand): 5'-AGCCCGGCGCCCCAGCCTCTACCCGTGCCCGCCGAGATGCTGCTGCCGCGGTCGGTGTCA[T>C]CGGAGCGGGCCCCTGGGGTGCCGGAGCCGGAGGAGCTGTGGGAGGCAGAGATGGAGCGGC-3'
Protein context (NP_689681.2, residues 1-19): MLLPRSVS[Ser9Pro]ERAPGVPEPE

ClinVar aggregate classification (germline): Uncertain significance (1 of 4 stars; one submission).

Conditions:
Epidermodysplasia verruciformis. Identifiers: Orphanet 302, MedGen C0014522, MONDO:0009176.

Allele frequency attached by ClinVar (database versions not stated): gnomAD exomes 0.00002 and 0.00008; TOPMed 0.00003; ExAC below 0.00001; gnomAD 0.00006.
gnomAD v4.1: 120 of 1,549,174 alleles (0.0077%); highest among the groups gnomAD compares: Non-Finnish European, 0.0097%; no homozygotes.

Submission:

Labcorp Genetics (formerly Invitae), Labcorp
Classification: Uncertain significance for Epidermodysplasia verruciformis. Last evaluated: 2022-06-27. Review status: criteria provided, single submitter. Criteria: Invitae Variant Classification Sherloc (09022015). Collection method: clinical testing. Allele origin: germline.
Comment: In summary, the available evidence is currently insufficient to determine the role of this variant in disease. Therefore, it has been classified as a Variant of Uncertain Significance. Algorithms developed to predict the effect of missense changes on protein structure and function (SIFT, PolyPhen-2, Align-GVGD) all suggest that this variant is likely to be tolerated. ClinVar contains an entry for this variant (Variation ID: 663641). This variant has not been reported in the literature in individuals affected with TMC8-related conditions. This variant is present in population databases (rs779748966, gnomAD 0.008%). This sequence change replaces serine, which is neutral and polar, with proline, which is neutral and non-polar, at codon 9 of the TMC8 protein (p.Ser9Pro).